The following is an entry in ClinVar:

NM_000540.3(RYR1):c.13158C>T (p.Pro4386=)

Gene: RYR1 (ryanodine receptor 1; plus strand). Cytogenetic location: 19q13.2.
Variant type: single nucleotide variant.
Coding change: c.13158C>T on transcript NM_000540.3 (MANE Select); coding-DNA position 13158, C replaced by T.
Protein change: p.Pro4386=; no amino-acid change (proline 4386 retained).
Molecular consequence: synonymous variant.
Genome position (GRCh38, 1-based): chr19:38,565,492, C>T. VCF-style: chr19-38565492-C-T. GRCh37 (hg19) VCF-style: chr19-39056132-C-T.
Other names: c.13143C>T, p.Pro4381= (NM_001042723.2).
Identifiers: ClinVar variation 3061656 (VCV003061656.2), dbSNP rs2514679547, ClinGen allele CA507355738.
Genomic context (GRCh38, chr19:38,565,492, plus strand): 5'-CCTGGTGGAGGGCGCCAAGAAGGTGACGGTGACCGAGCTCCTGGCAGGCATGCCCGACCC[C>T]ACCAGCGACGAGGTGCACGGCGAGCAGCCGGCCGGGCCGGGCGGAGACGCAGACGGCGAG-3'
Protein context (NP_000531.2, residues 4376-4396): VTELLAGMPD[Pro4386=]TSDEVHGEQP

ClinVar aggregate classification (germline): Likely benign (0 of 4 stars; one submission).

Conditions:
RYR1-related disorder. Also called: RYR1-related condition; RYR1-related disorders. Identifiers: MedGen CN239331.

Submission:

PreventionGenetics, part of Exact Sciences
Classification: Likely benign for RYR1-related condition. Last evaluated: 2021-12-02. Review status: no assertion criteria provided. Collection method: clinical testing. Allele origin: germline.
Comment: This variant is classified as likely benign based on ACMG/AMP sequence variant interpretation guidelines (Richards et al. 2015 PMID: 25741868, with internal and published modifications).